The following is an entry in ClinVar:

NM_004006.3(DMD):c.458_474del (p.Gln153fs)

Gene: DMD (dystrophin; minus strand). Cytogenetic location: Xp21.1.
Variant type: Deletion.
Coding change: c.458_474del on transcript NM_004006.3 (MANE Select); coding-DNA positions 458 to 474, 17 bases deleted (AGGTTAATGTAATCAAC).
Protein change: p.Gln153fs; shifts the reading frame from glutamine 153.
Molecular consequence: frameshift variant.
Genome position (GRCh38, 1-based): chrX:32,816,524-32,816,540, GTTGATTACATTAACCT deleted on the plus strand (AGGTTAATGTAATCAAC on the coding strand, the reverse complement: DMD is on the minus strand); deleting any 17 consecutive bases within chrX:32,816,524-32,816,542 gives the same sequence; the c. name uses the placement nearest the transcript's 3' end. VCF-style (leftmost placement, unchanged base first): chrX-32816523-AGTTGATTACATTAACCT-A. GRCh37 (hg19) VCF-style: chrX-32834640-AGTTGATTACATTAACCT-A.
Other names: c.434_450del, p.Gln145fs (NM_000109.4); c.446_462del, p.Gln149fs (NM_004009.3); c.89_105del, p.Gln30fs (NM_004010.3); short protein forms Q145fs, Q149fs, Q30fs, Q153fs.
Identifiers: ClinVar variation 3660086 (VCV003660086.2).

ClinVar aggregate classification (germline): Pathogenic (1 of 4 stars; one submission).

Conditions:
Duchenne muscular dystrophy (DMD). Also called: MUSCULAR DYSTROPHY, PSEUDOHYPERTROPHIC PROGRESSIVE, DUCHENNE TYPE; Duchenne Muscular Dystrophy (DMD). Identifiers: Orphanet 98896, MedGen C0013264, MONDO:0010679, OMIM 310200.

Submission:

Labcorp Genetics (formerly Invitae), Labcorp
Classification: Pathogenic for Duchenne muscular dystrophy. Last evaluated: 2024-09-10. Review status: criteria provided, single submitter. Criteria: Invitae Variant Classification Sherloc (09022015). Collection method: clinical testing. Allele origin: germline.
Comment: This sequence change creates a premature translational stop signal (p.Gln153Leufs*7) in the DMD gene. It is expected to result in an absent or disrupted protein product. Loss-of-function variants in DMD are known to be pathogenic (PMID: 16770791, 25007885). This variant is not present in population databases (gnomAD no frequency). This variant has not been reported in the literature in individuals affected with DMD-related conditions. For these reasons, this variant has been classified as Pathogenic.

Literature cited by the submitters: PubMed 16770791; PubMed 25007885.